The following is an entry in ClinVar:

NM_002907.4(RECQL):c.960_961insATA (p.Tyr320_Cys321insIle)

Gene: RECQL (RecQ like helicase; minus strand). Cytogenetic location: 12p12.1.
Variant type: Insertion.
Coding change: c.960_961insATA on transcript NM_002907.4 (MANE Select); coding-DNA positions 960 to 961, ATA inserted.
Protein change: p.Tyr320_Cys321insIle.
Molecular consequence: inframe insertion.
Genome position: GRCh38 VCF-style: chr12-21475813-A-ATAT. GRCh37 (hg19) VCF-style: chr12-21628747-A-ATAT.
Other names: c.960_961insATA, p.Tyr320_Cys321insIle (NM_032941.3).
Identifiers: ClinVar variation 1043741 (VCV001043741.8), dbSNP rs1943076176, ClinGen allele CA2021149275.
Genomic context (GRCh38, chr12:21,475,813, plus strand): 5'-CATGAATTCCCAGATTCTGCAAACTAACCGTAACTTGTTCAGAGTCTTTCTGAGAAAAAC[A>ATAT]ATATATGATTCCTGCAGTAAAATATGTGCATTTGTTAGATAGATATGGCATATTCCTGGA-3'

ClinVar aggregate classification (germline): Uncertain significance (1 of 4 stars; one submission).

Submission:

Labcorp Genetics (formerly Invitae), Labcorp
Classification: Uncertain significance. Last evaluated: 2022-01-28. Review status: criteria provided, single submitter. Criteria: Invitae Variant Classification Sherloc (09022015). Collection method: clinical testing. Allele origin: germline.
Comment: In summary, the available evidence is currently insufficient to determine the role of this variant in disease. Therefore, it has been classified as a Variant of Uncertain Significance. Experimental studies and prediction algorithms are not available or were not evaluated, and the functional significance of this variant is currently unknown. ClinVar contains an entry for this variant (Variation ID: 1043741). This variant has not been reported in the literature in individuals affected with RECQL-related conditions. This variant is not present in population databases (gnomAD no frequency). This variant, c.960_961insATA, results in the insertion of 1 amino acid(s) of the RECQL protein (p.Tyr320_Cys321insIle), but otherwise preserves the integrity of the reading frame.